The following is an entry in ClinVar:

NC_000015.9:g.(?_72847592)_(72875633_?)dup

Gene: ARIH1 (ariadne RBR E3 ubiquitin protein ligase 1; plus strand). Cytogenetic location: 15q24.1.
Variant type: Duplication.
Identifiers: ClinVar variation 2425410 (VCV002425410.3).

ClinVar aggregate classification (germline): Uncertain significance (1 of 4 stars; one submission).

Submission:

Labcorp Genetics (formerly Invitae), Labcorp
Classification: Uncertain significance. Last evaluated: 2022-08-11. Review status: criteria provided, single submitter. Criteria: Invitae Variant Classification Sherloc (09022015). Collection method: clinical testing. Allele origin: germline.
Comment: In summary, the available evidence is currently insufficient to determine the role of this variant in disease. Therefore, it has been classified as a Variant of Uncertain Significance. This variant has not been reported in the literature in individuals affected with ARIH1-related conditions. This variant results in a copy number gain of the genomic region encompassing exon(s) 4-14 of the ARIH1 gene. This region includes the termination codon of the gene. This copy number gain extends beyond the assayed region for this gene and therefore may encompass additional genes. As the precise location of this event is unknown, it may be in tandem or it may be located elsewhere in the genome.